The following is an entry in ClinVar:

ClinVar aggregate classification (germline): Pathogenic (1 of 4 stars; one submission).

Conditions:
Myasthenic syndrome, congenital, 22 (CMS22). Also called: PREPL DEFICIENCY. Identifiers: MedGen C4479088, MONDO:0044299, OMIM 616224.

Submission:

Labcorp Genetics (formerly Invitae), Labcorp
Classification: Pathogenic for Myasthenic syndrome, congenital, 22. Last evaluated: 2017-07-30. Review status: criteria provided, single submitter. Criteria: Invitae Variant Classification Sherloc (09022015). Collection method: clinical testing. Allele origin: germline.
Comment: This variant is a gross deletion of the genomic region encompassing exons 9-14 of the PREPL gene. The 5' boundary is likely confined to intron 8. The 3' end of this event extends through the termination codon beyond the assayed region for this gene and encompasses exons 5-10 of the SLC3A1 gene. While this deletion is not anticipated to result in nonsense mediated decay, it is expected to create a truncated protein product or disrupt mRNA translation. A deletion encompassing exons 9-14 of the PREPL gene and exons 5-10 of the SLC3A1 gene has been reported in an individual affected with hypotonia-cystinuria syndrome (PMID: 24610330). For these reasons, this variant has been classified as Pathogenic.

Literature cited by the submitters: PubMed 24610330.

NC_000002.11:g.(?_44527090)_(44556271_?)del

Genes: PREPL (prolyl endopeptidase like; minus strand), SLC3A1 (solute carrier family 3 member 1; plus strand). Cytogenetic location: 2p21.
Variant type: Deletion.
Identifiers: ClinVar variation 1076232 (VCV001076232.1).